The following is an entry in ClinVar:

ClinVar aggregate classification (germline): Uncertain significance (1 of 4 stars; one submission).

Conditions:
Charcot-Marie-Tooth disease, type I (CMT1). Also called: Charcot-Marie-Tooth disease type 1; Charcot-Marie-Tooth, Type 1. Identifiers: Orphanet 65753, MedGen C0751036, MONDO:0019011.

Submission:

Labcorp Genetics (formerly Invitae), Labcorp
Classification: Uncertain significance for Charcot-Marie-Tooth disease, type I. Last evaluated: 2021-03-24. Review status: criteria provided, single submitter. Criteria: Invitae Variant Classification Sherloc (09022015). Collection method: clinical testing. Allele origin: germline.
Comment: This sequence change replaces valine with phenylalanine at codon 156 of the MPZ protein (p.Val156Phe). The valine residue is highly conserved and there is a small physicochemical difference between valine and phenylalanine. This variant is not present in population databases (ExAC no frequency). This variant has not been reported in the literature in individuals with MPZ-related conditions. Algorithms developed to predict the effect of missense changes on protein structure and function are either unavailable or do not agree on the potential impact of this missense change (SIFT: "Deleterious"; PolyPhen-2: "Possibly Damaging"; Align-GVGD: "Class C0"). Algorithms developed to predict the effect of sequence changes on RNA splicing suggest that this variant may create or strengthen a splice site, but this prediction has not been confirmed by published transcriptional studies. In summary, the available evidence is currently insufficient to determine the role of this variant in disease. Therefore, it has been classified as a Variant of Uncertain Significance.

NM_000530.8(MPZ):c.466G>T (p.Val156Phe)

Gene: MPZ (myelin protein zero; minus strand). Cytogenetic location: 1q23.3.
Variant type: single nucleotide variant.
Coding change: c.466G>T on transcript NM_000530.8 (MANE Select); coding-DNA position 466, G replaced by T.
Protein change: p.Val156Phe; replaces valine 156 with phenylalanine.
Molecular consequence: missense variant.
Genome position (GRCh38, 1-based): chr1:161,306,447, C>A on the plus strand (G>T on the coding strand, the complement: MPZ is on the minus strand). VCF-style: chr1-161306447-C-A. GRCh37 (hg19) VCF-style: chr1-161276237-C-A.
Other names: c.466G>T, p.Val156Phe (NM_001315491.2); short protein forms V156F.
Identifiers: ClinVar variation 1519252 (VCV001519252.8), dbSNP rs775916243, ClinGen allele CA343346484.